The following is an entry in ClinVar:

NM_001375524.1(TRRAP):c.347T>G (p.Val116Gly)

Gene: TRRAP (transformation/transcription domain associated protein; plus strand). Cytogenetic location: 7q22.1.
Variant type: single nucleotide variant.
Coding change: c.347T>G on transcript NM_001375524.1 (MANE Select); coding-DNA position 347, T replaced by G.
Protein change: p.Val116Gly; replaces valine 116 with glycine.
Molecular consequence: missense variant.
Genome position (GRCh38, 1-based): chr7:98,892,509, T>G. VCF-style: chr7-98892509-T-G. GRCh37 (hg19) VCF-style: chr7-98490132-T-G.
Other names: c.347T>G, p.Val116Gly (NM_001244580.2, NM_003496.4); short protein forms V116G.
Identifiers: ClinVar variation 3368605 (VCV003368605.1).

ClinVar aggregate classification (germline): Uncertain significance (1 of 4 stars; one submission).

gnomAD v4.1: 1 of 1,611,522 alleles (0.000062%); highest among the groups gnomAD compares: Admixed American, 0.0017%; no homozygotes.

Submission:

GeneDx
Classification: Uncertain significance. Last evaluated: 2024-02-02. Review status: criteria provided, single submitter. Criteria: GeneDx Variant Classification Process June 2021. Collection method: clinical testing. Allele origin: germline. Affected: yes.
Comment: Not observed at significant frequency in large population cohorts (gnomAD); In silico analysis supports that this missense variant has a deleterious effect on protein structure/function; Has not been previously published as pathogenic or benign to our knowledge